The following is an entry in ClinVar:

NM_000545.8(HNF1A):c.608G>T (p.Arg203Leu)

Gene: HNF1A (HNF1 homeobox A; plus strand). Cytogenetic location: 12q24.31.
Variant type: single nucleotide variant.
Coding change: c.608G>T on transcript NM_000545.8 (MANE Select); coding-DNA position 608, G replaced by T.
Protein change: p.Arg203Leu; replaces arginine 203 with leucine.
Molecular consequence: missense variant.
Genome position (GRCh38, 1-based): chr12:120,993,601, G>T. VCF-style: chr12-120993601-G-T. GRCh37 (hg19) VCF-style: chr12-121431404-G-T.
Other names: c.608G>T, p.Arg203Leu (NM_001306179.2); short protein forms R203L.
Identifiers: ClinVar variation 1256577 (VCV001256577.11), dbSNP rs587780357, ClinGen allele CA386964255.

ClinVar aggregate classification (germline): Pathogenic/Likely pathogenic. Review status: criteria provided, multiple submitters, no conflicts (2 of 4 stars). 3 submissions from 3 submitters: Pathogenic (1); Likely pathogenic (2). Last evaluated 2026-06-02.

Conditions:
Maturity-onset diabetes of the young (MODY). Also called: Maturity onset diabetes mellitus in young. Identifiers: Orphanet 552, MedGen C0342276, MONDO:0018911, HP:0004904.

gnomAD v4.1: 1 of 1,614,156 alleles (0.000062%); highest among the groups gnomAD compares: Admixed American, 0.0017%; no homozygotes.

Submissions (3):

Athena Diagnostics
Classification: Likely pathogenic. Last evaluated: 2026-06-02. Review status: criteria provided, single submitter. Criteria: Athena Diagnostics criteria. Collection method: clinical testing. Allele origin: unknown.
Comment: This variant has not been reported in large, multi-ethnic general populations. This variant has been identified in at least one individual with clinical features associated with autosomal dominant maturity-onset diabetes of the young (MODY). Multiple individuals have been identified with clinical features associated with MODY who also carry pathogenic missense variants affecting this codon, suggesting this variant may also cause disease. At least one other missense variant at this codon is considered to be pathogenic or likely pathogenic, suggesting this variant may also cause disease.

Women's Health and Genetics/Laboratory Corporation of America, LabCorp
Classification: Likely pathogenic for Maturity-onset diabetes of the young. Last evaluated: 2025-05-14. Review status: criteria provided, single submitter. Criteria: LabCorp Variant Classification Summary - May 2015. Collection method: clinical testing. Allele origin: germline.
Comment: Variant summary: HNF1A c.608G>T (p.Arg203Leu) results in a non-conservative amino acid change located in the Nuclear localization signal (amino acids 197-205; UniProt), and also affects the overlapping Homeodomain (amino acids 199-282; IPR001356) altering a residue which is involved directly in DNA recognition; thus the substitution of this amino acid (Arg203) might have dual potential consequences on hepatocyte nuclear factor 1-alpha (HNF1A) function (PMID 15726414). Algorithms developed to predict the effect of missense changes on protein structure and function all suggest that this variant is likely to be disruptive. The variant was absent in 251318 control chromosomes (gnomAD). c.608G>T has been observed in individuals affected with Maturity Onset Diabetes Of The Young 3 (Labcorp [formerly Invitae] internal data). These data indicate that the variant may be associated with disease. Different variants affecting the same codon have been classified as pathogenic by our lab (i.e. c.607C>T, p.Arg203Cys and c.608G>A, p.Arg203His), supporting the critical relevance of codon 203 to HNF1A protein function. To our knowledge, no experimental evidence demonstrating an impact on protein function has been reported. ClinVar contains an entry for this variant (Variation ID: 1256577). Based on the evidence outlined above, the variant was classified as likely pathogenic.

Labcorp Genetics (formerly Invitae), Labcorp
Classification: Pathogenic. Last evaluated: 2022-02-02. Review status: criteria provided, single submitter. Criteria: Invitae Variant Classification Sherloc (09022015). Collection method: clinical testing. Allele origin: germline.
Comment: This variant disrupts the p.Arg203 amino acid residue in HNF1A. Other variant(s) that disrupt this residue have been observed in individuals with HNF1A-related conditions (PMID: 21168233, 30293189, 31363388), which suggests that this may be a clinically significant amino acid residue. For these reasons, this variant has been classified as Pathogenic. Advanced modeling of protein sequence and biophysical properties (such as structural, functional, and spatial information, amino acid conservation, physicochemical variation, residue mobility, and thermodynamic stability) performed at Invitae indicates that this missense variant is expected to disrupt HNF1A protein function. ClinVar contains an entry for this variant (Variation ID: 1256577). This missense change has been observed in individual(s) with autosomal dominant maturity-onset diabetes of the young (Invitae). It has also been observed to segregate with disease in related individuals. This variant is not present in population databases (gnomAD no frequency). This sequence change replaces arginine, which is basic and polar, with leucine, which is neutral and non-polar, at codon 203 of the HNF1A protein (p.Arg203Leu).

Literature cited by the submitters: PubMed 21168233 (cited by Labcorp Genetics (formerly Invitae), Labcorp); PubMed 30293189 (cited by Labcorp Genetics (formerly Invitae), Labcorp); PubMed 31363388 (cited by Labcorp Genetics (formerly Invitae), Labcorp).